The following is an entry in ClinVar:

NM_000143.4(FH):c.1068_1069delinsAC (p.Ile357Leu)

Gene: FH (fumarate hydratase; minus strand). Cytogenetic location: 1q43.
Variant type: Indel.
Coding change: c.1068_1069delinsAC on transcript NM_000143.4 (MANE Select); coding-DNA positions 1068 to 1069, GA replaced by AC.
Protein change: p.Ile357Leu; replaces isoleucine 357 with leucine.
Molecular consequence: missense variant.
Genome position (GRCh38, 1-based): chr1:241,504,081-241,504,082, TC replaced by GT on the plus strand (GA replaced by AC on the coding strand, the reverse complement: FH is on the minus strand). VCF-style: chr1-241504081-TC-GT. GRCh37 (hg19) VCF-style: chr1-241667381-TC-GT.
Other names: c.1068_1069delGAinsAC (NM_000143.3); short protein forms I357L.
Identifiers: ClinVar variation 1391510 (VCV001391510.7), dbSNP rs2147916070, ClinGen allele CA2573132923.

ClinVar aggregate classification (germline): Uncertain significance. Review status: criteria provided, multiple submitters, no conflicts (2 of 4 stars). 2 submissions from 2 submitters: Uncertain significance (2). Last evaluated 2026-06-30.

Conditions:
Hereditary cancer-predisposing syndrome. Also called: Hereditary Cancer Syndrome; Neoplastic Syndromes, Hereditary; Hereditary neoplastic syndrome; Tumor predisposition. Identifiers: Orphanet 140162, MedGen C0027672, MeSH D009386, MONDO:0015356.

Submissions (2):

Ambry Genetics
Classification: Uncertain significance for Hereditary cancer-predisposing syndrome. Last evaluated: 2026-06-30. Review status: criteria provided, single submitter. Criteria: Ambry Variant Classification Scheme 2023. Collection method: clinical testing. Allele origin: germline.
Comment: The c.1068_1069delGAinsAC variant (also known as p.I357L), located in coding exon 7 of the FH gene, results from an in-frame deletion of GA and insertion of AC at nucleotide positions 1068 to 1069. This results in the substitution of the isoleucine residue for a leucine residue at codon 357, an amino acid with highly similar properties. This amino acid position is highly conserved in available vertebrate species. In addition, the in silico prediction for this variant is inconclusive. Based on the available evidence, the clinical significance of this variant remains unclear.

Labcorp Genetics (formerly Invitae), Labcorp
Classification: Uncertain significance. Last evaluated: 2020-11-21. Review status: criteria provided, single submitter. Criteria: Invitae Variant Classification Sherloc (09022015). Collection method: clinical testing. Allele origin: germline.
Comment: In summary, the available evidence is currently insufficient to determine the role of this variant in disease. Therefore, it has been classified as a Variant of Uncertain Significance. Experimental studies and prediction algorithms are not available or were not evaluated, and the functional significance of this variant is currently unknown. This variant has not been reported in the literature in individuals with FH-related conditions. The frequency data for this variant in the population databases is not available, as this variant may be reported as separate entries in the ExAC database. This sequence change replaces isoleucine with leucine at codon 357 of the FH protein (p.Ile357Leu). The isoleucine residue is moderately conserved and there is a small physicochemical difference between isoleucine and leucine.